The following is an entry in ClinVar:

ClinVar aggregate classification (germline): Pathogenic (1 of 4 stars; one submission).

Submission:

Labcorp Genetics (formerly Invitae), Labcorp
Classification: Pathogenic. Last evaluated: 2023-11-14. Review status: criteria provided, single submitter. Criteria: Invitae Variant Classification Sherloc (09022015). Collection method: clinical testing. Allele origin: germline.
Comment: This sequence change creates a premature translational stop signal (p.Gly418Alafs*13) in the SLC4A11 gene. It is expected to result in an absent or disrupted protein product. Loss-of-function variants in SLC4A11 are known to be pathogenic (PMID: 17220209, 17679935). This variant is not present in population databases (gnomAD no frequency). This variant has not been reported in the literature in individuals affected with SLC4A11-related conditions. For these reasons, this variant has been classified as Pathogenic.

Literature cited by the submitters: PubMed 17220209; PubMed 17679935.

NM_001174089.2(SLC4A11):c.1205del (p.Gly402fs)

Gene: SLC4A11 (solute carrier family 4 member 11; minus strand). Cytogenetic location: 20p13.
Variant type: Deletion.
Coding change: c.1205del on transcript NM_001174089.2 (MANE Select); coding-DNA position 1205, one base deleted (G; older notation c.1205delG).
Protein change: p.Gly402fs; shifts the reading frame from glycine 402.
Molecular consequence: frameshift variant. On other transcripts: non-coding transcript variant (3), intron variant (2).
Genome position (GRCh38, 1-based): chr20:3,230,809, C deleted on the plus strand (G on the coding strand, the reverse complement: SLC4A11 is on the minus strand); the first of 5 consecutive C bases (chr20:3,230,809-3,230,813); deleting any one gives the same sequence. VCF-style (leftmost placement, unchanged base first): chr20-3230808-GC-G. GRCh37 (hg19) VCF-style: chr20-3211454-GC-G.
Other names: c.1334del, p.Gly445fs (NM_001174090.2); c.1148del, p.Gly383fs (NM_001400277.1, NM_001400278.1, NM_001400279.1); c.1253del, p.Gly418fs (NM_032034.4); c.1168+124del (NM_001363745.2); c.1297+124del (NM_001400280.1); short protein forms G383fs, G418fs, G445fs, G402fs.
Identifiers: ClinVar variation 2695728 (VCV002695728.3), dbSNP rs1169567113, ClinGen allele CA2651691315.